The following is an entry in ClinVar:

NM_139027.6(ADAMTS13):c.1244+1G>C

Gene: ADAMTS13 (ADAM metallopeptidase with thrombospondin type 1 motif 13; plus strand). Cytogenetic location: 9q34.2.
Variant type: single nucleotide variant.
Coding change: c.1244+1G>C on transcript NM_139027.6 (MANE Select); the canonical splice donor site of the intron after coding-DNA position 1244, G replaced by C.
Molecular consequence: splice donor variant.
Genome position (GRCh38, 1-based): chr9:133,433,530, G>C. VCF-style: chr9-133433530-G-C. GRCh37 (hg19) VCF-style: chr9-136298650-G-C.
Other names: c.1244+1G>C (NM_139025.5); c.1151+1G>C (NM_139026.6).
Identifiers: ClinVar variation 2632867 (VCV002632867.1), dbSNP rs2491164601, ClinGen allele CA375389775.

ClinVar aggregate classification (germline): Likely pathogenic (1 of 4 stars; one submission).

Conditions:
ADAMTS13-related disorder. Also called: ADAMTS13-related condition.

Allele frequency attached by ClinVar (database versions not stated): gnomAD exomes below 0.00001.

Submission:

PreventionGenetics, part of Exact Sciences
Classification: Likely pathogenic for ADAMTS13-related condition. Last evaluated: 2023-08-14. Review status: criteria provided, single submitter. Criteria: ACMG Guidelines, 2015. Collection method: clinical testing. Allele origin: germline.
Comment: The ADAMTS13 c.1244+1G>C variant is predicted to disrupt the GT donor site and interfere with normal splicing. To our knowledge, this variant has not been reported in the literature or in a large population database, indicating this variant is rare. Variants that disrupt the consensus splice donor site in ADAMTS13 are expected to be pathogenic. This variant is interpreted as likely pathogenic.